The following is an entry in ClinVar:

NM_002693.3(POLG):c.1433+1G>A

Gene: POLG (DNA polymerase gamma, catalytic subunit; minus strand). Cytogenetic location: 15q26.1.
Variant type: single nucleotide variant.
Coding change: c.1433+1G>A on transcript NM_002693.3 (MANE Select); the canonical splice donor site of the intron after coding-DNA position 1433, G replaced by A.
Molecular consequence: splice donor variant.
Genome position (GRCh38, 1-based): chr15:89,327,166, C>T on the plus strand (G>A on the coding strand, the complement: POLG is on the minus strand). VCF-style: chr15-89327166-C-T. GRCh37 (hg19) VCF-style: chr15-89870397-C-T.
Other names: c.1433+1G>A (NM_001126131.2).
Identifiers: ClinVar variation 280017 (VCV000280017.20), dbSNP rs771623994, ClinGen allele CA7724864.

ClinVar aggregate classification (germline): Pathogenic. Review status: criteria provided, multiple submitters, no conflicts (2 of 4 stars). 7 submissions from 7 submitters: Pathogenic (6). 1 of the submissions does not count toward it. Last evaluated 2026-06-24.

Conditions:
POLG-related disorder. Also called: POLG-related condition; POLG-Related Spectrum Disorders; POLG-Related Disorders. Identifiers: MedGen C4763519.
Progressive sclerosing poliodystrophy (MTDPS4A). Also called: ALPERS PROGRESSIVE INFANTILE POLIODYSTROPHY; NEURONAL DEGENERATION OF CHILDHOOD WITH LIVER DISEASE, PROGRESSIVE; Mitochondrial DNA Depletion Syndrome 4A; Alpers Syndrome; ALPERS DIFFUSE DEGENERATION OF CEREBRAL GRAY MATTER WITH HEPATIC CIRRHOSIS; Alpers-Huttenlocher Syndrome. Identifiers: Orphanet 726, MedGen C0205710, MONDO:0008758, OMIM 203700.
Mitochondrial DNA depletion syndrome 4b. Also called: Mitochondrial Neurogastrointestinal Encephalopathy Disease, POLG-Related; MNGIE, POLG-RELATED. Identifiers: Orphanet 298, MedGen C3150914, MONDO:0013350, OMIM 613662.
Sensory ataxic neuropathy, dysarthria, and ophthalmoparesis (SANDO). Also called: Sensory ataxic neuropathy-dysarthria-ophthalmoparesis syndrome; Ataxia Neuropathy Spectrum (ANS); Epilepsy, progressive myoclonic, type 5; SENSORY ATAXIC NEUROPATHY WITH MITOCHONDRIAL DNA DELETIONS, AUTOSOMAL RECESSIVE. Identifiers: Orphanet 70595, MedGen C1843851, MONDO:0011835, OMIM 607459.
Progressive external ophthalmoplegia with mitochondrial DNA deletions, autosomal dominant 1 (PEOA1). Also called: Autosomal Dominant Progressive External Ophthalmoplegia (adPEO); PROGRESSIVE EXTERNAL OPHTHALMOPLEGIA, AUTOSOMAL DOMINANT 1. Identifiers: MedGen C1834846, MONDO:0024528, OMIM 157640.
Progressive external ophthalmoplegia with mitochondrial DNA deletions, autosomal recessive 1 (PEOB1). Also called: Progressive external ophthalmoplegia, autosomal recessive 1; Autosomal Recessive Progressive External Ophthalmoplegia (arPEO). Identifiers: Orphanet 254886, MedGen C4225153, MONDO:0009783, OMIM 258450.

Allele frequency attached by ClinVar (database versions not stated): gnomAD exomes below 0.00001; ExAC 0.00002; gnomAD 0.00004; TOPMed 0.00006.
gnomAD v4.1: 14 of 1,614,140 alleles (0.00087%); highest among the groups gnomAD compares: African/African-American, 0.015%; no homozygotes.

Submissions (7):

Myriad Genetics, Inc.
Classification: Pathogenic for POLG-related disorder. Last evaluated: 2026-06-24. Review status: criteria provided, single submitter. Criteria: Myriad Autosomal Dominant, Autosomal Recessive and X-Linked Classification Criteria (2023). Collection method: clinical testing. Allele origin: unknown.
Comment: NM_002693.2(POLG):c.1433+1G>A is a variant in a canonical splice site classified as pathogenic in the context of POLG-related disorders. c.1433+1G>A has been observed in cases with relevant disease (PMID: 21880868, Paris Franz_2022_(Abstract)). Relevant functional assessments of this variant are not available in the literature. c.1433+1G>A has been observed in referenced population frequency databases. In summary, NM_002693.2(POLG):c.1433+1G>A is a variant in a canonical splice site that has been observed more frequently in cases with the relevant disease than in healthy populations. Please note: this variant was assessed in the context of healthy population screening.

Labcorp Genetics (formerly Invitae), Labcorp
Classification: Pathogenic for Progressive sclerosing poliodystrophy. Last evaluated: 2026-01-24. Review status: criteria provided, single submitter. Criteria: Invitae Variant Classification Sherloc (09022015). Collection method: clinical testing. Allele origin: germline.
Comment: This sequence change affects a donor splice site in intron 7 of the POLG gene. It is expected to disrupt RNA splicing. Variants that disrupt the donor or acceptor splice site typically lead to a loss of protein function (PMID: 16199547), and loss-of-function variants in POLG are known to be pathogenic (PMID: 18546365). This variant is present in population databases (rs771623994, gnomAD 0.007%). Disruption of this splice site has been observed in individual(s) with Alpers syndrome (PMID: 21880868). In at least one individual the data is consistent with being in trans (on the opposite chromosome) from a pathogenic variant. ClinVar contains an entry for this variant (Variation ID: 280017). Algorithms developed to predict the effect of sequence changes on RNA splicing suggest that this variant may disrupt the consensus splice site. For these reasons, this variant has been classified as Pathogenic.

Baylor Genetics
Classification: Pathogenic for Progressive sclerosing poliodystrophy. Last evaluated: 2024-03-18. Review status: criteria provided, single submitter. Criteria: ACMG Guidelines, 2015. Collection method: clinical testing. Allele origin: unknown.

Fulgent Genetics
Classification: Pathogenic for Progressive external ophthalmoplegia with mitochondrial DNA deletions, autosomal dominant 1; Progressive sclerosing poliodystrophy; Progressive external ophthalmoplegia with mitochondrial DNA deletions, autosomal recessive 1; Sensory ataxic neuropathy, dysarthria, and ophthalmoparesis; Mitochondrial DNA depletion syndrome 4b. Last evaluated: 2024-02-19. Review status: criteria provided, single submitter. Criteria: ACMG Guidelines, 2015. Collection method: clinical testing. Allele origin: germline.

GeneDx
Classification: Pathogenic. Last evaluated: 2022-06-13. Review status: criteria provided, single submitter. Criteria: GeneDx Variant Classification Process June 2021. Collection method: clinical testing. Allele origin: germline. Affected: yes.
Comment: Canonical splice site variant expected to result in aberrant splicing, although in the absence of functional evidence the actual effect of this sequence change is unknown.; Not observed at a significant frequency in large population cohorts (gnomAD); This variant is associated with the following publications: (PMID: 21880868)

Wong Mito Lab, Molecular and Human Genetics, Baylor College of Medicine
Classification: Pathogenic for Progressive sclerosing poliodystrophy. Last evaluated: 2018-10-01. Review status: criteria provided, single submitter. Criteria: ACMG Guidelines, 2015. Collection method: clinical testing. Allele origin: germline.
Comment: The NM_002693.2:c.1433+1G>A (NP_002684.1:p.=) [GRCH38: NC_000015.10:g.89327166C>T] variant in POLG gene is interpretated to be a Pathogenic based on ACMG guidelines (PMID: 25741868). This variant meets the following evidence codes reported in the ACMG-guideline. PVS1:This variant is a predicted null variant in POLG where loss of function is a known mechanism of disease. PM2:This variant is absent in key population databases. PM3:Detected in trans with a pathogenic variant for Mitochondrial DNA depletion syndrome 4A (Alpers type) which is a recessive disorder. PM4:This variant causes alteration in the length of expressed protein. PP1:This variant is co-segregated with Mitochondrial DNA depletion syndrome 4A (Alpers type) in multiple affected family members. PP4:Patient's phenotype or family history is highly specific for POLG. Based on the evidence criteria codes applied, the variant is suggested to be Pathogenic.

PreventionGenetics, part of Exact Sciences
Classification: Pathogenic for POLG-related condition. Last evaluated: 2023-11-20. Review status: no assertion criteria provided. Collection method: clinical testing. Allele origin: germline. Not counted in ClinVar's aggregate classification.
Comment: The POLG c.1433+1G>A variant is predicted to disrupt the GT donor site and interfere with normal splicing. This variant has been reported along with another pathogenic variant in POLG in an individual with POLG deficiency (Tang et al. 2011. PubMed ID: 21880868). This variant is reported in 0.0062% of alleles in individuals of African descent in gnomAD. Variants that disrupt the consensus splice donor site in POLG are expected to be pathogenic. This variant is interpreted as pathogenic.

Literature cited by the submitters: PubMed 16199547 (cited by Labcorp Genetics (formerly Invitae), Labcorp); PubMed 18546365 (cited by Labcorp Genetics (formerly Invitae), Labcorp); PubMed 21880868 (cited by Labcorp Genetics (formerly Invitae), Labcorp).